The following is an entry in ClinVar:

ClinVar aggregate classification (germline): Pathogenic (1 of 4 stars; one submission).

Submission:

Labcorp Genetics (formerly Invitae), Labcorp
Classification: Pathogenic. Last evaluated: 2021-04-09. Review status: criteria provided, single submitter. Criteria: Invitae Variant Classification Sherloc (09022015). Collection method: clinical testing. Allele origin: germline.
Comment: This variant has not been reported in the literature in individuals with PCDH15-related conditions. ClinVar contains an entry for this variant (Variation ID: 842613). For these reasons, this variant has been classified as Pathogenic. This variant is not present in population databases (ExAC no frequency). This sequence change creates a premature translational stop signal (p.Asp1322Argfs*2) in the PCDH15 gene. It is expected to result in an absent or disrupted protein product. Loss-of-function variants in PCDH15 are known to be pathogenic (PMID: 11398101, 11487575, 14570705).

Literature cited by the submitters: PubMed 11398101; PubMed 11487575; PubMed 14570705.

NM_001384140.1(PCDH15):c.3963_3964insA (p.Asp1322fs)

Gene: PCDH15 (protocadherin related 15; minus strand). Cytogenetic location: 10q21.1.
Variant type: Insertion.
Coding change: c.3963_3964insA on transcript NM_001384140.1 (MANE Select); coding-DNA positions 3963 to 3964, A inserted.
Protein change: p.Asp1322fs; shifts the reading frame from aspartic acid 1322.
Molecular consequence: frameshift variant.
Genome position: GRCh38 VCF-style: chr10-53840339-C-CT. GRCh37 (hg19) VCF-style: chr10-55600099-C-CT.
Other names: c.3978_3979insA, p.Asp1327fs (NM_001142763.2, NM_001142771.2); c.3963_3964insA, p.Asp1322fs (NM_001142764.2, NM_001142766.2, NM_001142770.3 and 4 more transcripts); c.3750_3751insA, p.Asp1251fs (NM_001142765.2); c.3852_3853insA, p.Asp1285fs (NM_001142767.2); c.3897_3898insA, p.Asp1300fs (NM_001142768.2, NM_001142773.2, NM_001354404.2); c.3999_4000insA, p.Asp1334Argfs (NM_001142769.4); c.3984_3985insA, p.Asp1329fs (NM_001354411.2); short protein forms D1322fs, D1334fs, D1300fs, D1327fs, D1251fs, D1285fs, D1329fs.
Identifiers: ClinVar variation 842613 (VCV000842613.8), dbSNP rs2077566001, ClinGen allele CA916083127.